The following is an entry in ClinVar:

NM_000298.6(PKLR):c.1686C>T (p.Ser562=)

Gene: PKLR (pyruvate kinase L/R; minus strand). Cytogenetic location: 1q22.
Variant type: single nucleotide variant.
Coding change: c.1686C>T on transcript NM_000298.6 (MANE Select); coding-DNA position 1686, C replaced by T.
Protein change: p.Ser562=; no amino-acid change (serine 562 retained).
Molecular consequence: synonymous variant.
Genome position (GRCh38, 1-based): chr1:155,290,611, G>A on the plus strand (C>T on the coding strand, the complement: PKLR is on the minus strand). VCF-style: chr1-155290611-G-A. GRCh37 (hg19) VCF-style: chr1-155260402-G-A.
Other names: p.Ser562=; c.1686C>T, p.Ser562= (LRG_1136t1); c.1593C>T, p.Ser531= (NM_181871.4).
Identifiers: ClinVar variation 292805 (VCV000292805.31), dbSNP rs140859641, ClinGen allele CA1143924.
Genomic context (GRCh38, chr1:155,290,611, plus strand): 5'-GCCAGAGGAGGGAGGGGCGTCTCAGGATATGCTTAGCACCCGCATGATGTTGGTGTAGCC[G>A]GAGCCAGGTCGCCAGCCTGTCACCACAATCACCAGGTCTCCAACACGGAGGAAGCCACGG-3'
Protein context (NP_000289.1, residues 552-572): VIVVTGWRPG[Ser562=]GYTNIMRVLS

ClinVar aggregate classification (germline): Benign/Likely benign. Review status: criteria provided, multiple submitters, no conflicts (2 of 4 stars). 6 submissions from 6 submitters: Benign (3); Likely benign (3). Last evaluated 2026-01-01.

Conditions:
Pyruvate kinase deficiency of red cells (CNSHA2). Also called: Pyruvate kinase deficiency, Amish type; PK DEFICIENCY; PYRUVATE KINASE DEFICIENCY OF ERYTHROCYTE. Identifiers: Orphanet 766, MedGen C0340968, MONDO:0009950, OMIM 266200.

Allele frequency attached by ClinVar (database versions not stated): ESP Exome Variant Server 0.00023; gnomAD 0.00038 and 0.00040; TOPMed 0.00070.
gnomAD v4.1: 651 of 1,613,214 alleles (0.04%); highest among the groups gnomAD compares: Admixed American, 0.79%; 11 homozygotes.

Submissions (6):

CeGaT Center for Human Genetics Tuebingen
Classification: Likely benign. Last evaluated: 2026-01-01. Review status: criteria provided, single submitter. Criteria: CeGaT Center For Human Genetics Tuebingen Variant Classification Criteria Version 2. Collection method: clinical testing. Allele origin: germline. Affected: yes. Observed: 1 variant allele.
Comment: PKLR: BP4, BP7

Labcorp Genetics (formerly Invitae), Labcorp
Classification: Benign. Last evaluated: 2025-09-25. Review status: criteria provided, single submitter. Criteria: Invitae Variant Classification Sherloc (09022015). Collection method: clinical testing. Allele origin: germline.

ARUP Laboratories, Molecular Genetics and Genomics, ARUP Laboratories
Classification: Benign. Last evaluated: 2025-07-28. Review status: criteria provided, single submitter. Criteria: ARUP Molecular Germline Variant Investigation Process 2024. Collection method: clinical testing. Allele origin: germline.

Mayo Clinic Laboratories, Mayo Clinic
Classification: Benign. Last evaluated: 2025-02-26. Review status: criteria provided, single submitter. Criteria: ACMG Guidelines, 2015. Collection method: clinical testing. Allele origin: germline. Observed: 4 variant alleles.
Comment: BS1, BS2, BP4, BP7

Illumina Laboratory Services, Illumina
Classification: Likely benign for Pyruvate kinase deficiency of red cells. Last evaluated: 2018-01-13. Review status: criteria provided, single submitter. Criteria: ICSL Variant Classification Criteria 13 December 2019. Collection method: clinical testing. Allele origin: germline.
Comment: This variant was observed in the ICSL laboratory as part of a predisposition screen in an ostensibly healthy population. It had not been previously curated by ICSL or reported in the Human Gene Mutation Database (HGMD: prior to June 1st, 2018), and was therefore a candidate for classification through an automated scoring system. Utilizing variant allele frequency, disease prevalence and penetrance estimates, and inheritance mode, an automated score was calculated to assess if this variant is too frequent to cause the disease. Based on the score and internal cut-off values, a variant classified as likely benign is not then subjected to further curation. The score for this variant resulted in a classification of likely benign for this disease.

Breakthrough Genomics
Classification: Likely benign. Review status: criteria provided, single submitter. Criteria: ACMG Guidelines, 2015. Collection method: not provided. Allele origin: germline. Inheritance: Autosomal recessive inheritance. Affected: yes.